The following is an entry in ClinVar:

ClinVar aggregate classification (germline): Likely benign (0 of 4 stars; one submission).

Conditions:
CDK19-related disorder. Also called: CDK19-related condition.

gnomAD v4.1: 31 of 1,595,810 alleles (0.0019%); highest among the groups gnomAD compares: East Asian, 0.068%; no homozygotes.

Submission:

PreventionGenetics, part of Exact Sciences
Classification: Likely benign for CDK19-related condition. Last evaluated: 2024-07-29. Review status: no assertion criteria provided. Collection method: clinical testing. Allele origin: germline.
Comment: This variant is classified as likely benign based on ACMG/AMP sequence variant interpretation guidelines (Richards et al. 2015 PMID: 25741868, with internal and published modifications).

NM_015076.5(CDK19):c.391T>C (p.Leu131=)

Gene: CDK19 (cyclin dependent kinase 19; minus strand). Cytogenetic location: 6q21.
Variant type: single nucleotide variant.
Coding change: c.391T>C on transcript NM_015076.5 (MANE Select); coding-DNA position 391, T replaced by C.
Protein change: p.Leu131=; no amino-acid change (leucine 131 retained).
Molecular consequence: synonymous variant.
Genome position (GRCh38, 1-based): chr6:110,667,499, A>G on the plus strand (T>C on the coding strand, the complement: CDK19 is on the minus strand). VCF-style: chr6-110667499-A-G. GRCh37 (hg19) VCF-style: chr6-110988702-A-G.
Other names: c.391T>C, p.Leu131= (NM_001300960.2); c.211T>C, p.Leu71= (NM_001300963.2, NM_001300964.2).
Identifiers: ClinVar variation 3349669 (VCV003349669.1).